The following is an entry in ClinVar:

ClinVar aggregate classification (germline): Uncertain significance (1 of 4 stars; one submission).

Submission:

Labcorp Genetics (formerly Invitae), Labcorp
Classification: Uncertain significance. Last evaluated: 2023-07-10. Review status: criteria provided, single submitter. Criteria: Invitae Variant Classification Sherloc (09022015). Collection method: clinical testing. Allele origin: germline.
Comment: This variant is not present in population databases (gnomAD no frequency). In summary, the available evidence is currently insufficient to determine the role of this variant in disease. Therefore, it has been classified as a Variant of Uncertain Significance. Advanced modeling of protein sequence and biophysical properties (such as structural, functional, and spatial information, amino acid conservation, physicochemical variation, residue mobility, and thermodynamic stability) performed at Invitae indicates that this missense variant is expected to disrupt NCSTN protein function. This variant has not been reported in the literature in individuals affected with NCSTN-related conditions. This sequence change replaces proline, which is neutral and non-polar, with leucine, which is neutral and non-polar, at codon 423 of the NCSTN protein (p.Pro423Leu).

NM_015331.3(NCSTN):c.1268C>T (p.Pro423Leu)

Gene: NCSTN (nicastrin; plus strand). Cytogenetic location: 1q23.2.
Variant type: single nucleotide variant.
Coding change: c.1268C>T on transcript NM_015331.3 (MANE Select); coding-DNA position 1268, C replaced by T.
Protein change: p.Pro423Leu; replaces proline 423 with leucine.
Molecular consequence: missense variant.
Genome position (GRCh38, 1-based): chr1:160,354,206, C>T. VCF-style: chr1-160354206-C-T. GRCh37 (hg19) VCF-style: chr1-160323996-C-T.
Other names: c.1208C>T, p.Pro403Leu (NM_001290184.2); c.854C>T, p.Pro285Leu (NM_001290186.2); c.1268C>T, p.Pro423Leu (NM_001349729.2); short protein forms P285L, P423L, P403L.
Identifiers: ClinVar variation 2740833 (VCV002740833.3), dbSNP rs2525541528, ClinGen allele CA343281516.